The following is an entry in ClinVar:

ClinVar aggregate classification (germline): Pathogenic. Review status: criteria provided, single submitter (1 of 4 stars). 2 submissions from 1 submitter: Pathogenic (1). 1 of the submissions does not count toward it. Last evaluated 2022-01-17.

Conditions:
Isolated microphthalmia 3 (MCOPS16). Also called: MICROPHTHALMIA, SYNDROMIC 16. Identifiers: Orphanet 2542, MedGen C5774181, MONDO:0012604, OMIM 611038.

Submissions (2):

Labcorp Genetics (formerly Invitae), Labcorp
Classification: Pathogenic for Isolated microphthalmia 3. Last evaluated: 2022-01-17. Review status: criteria provided, single submitter. Criteria: Invitae Variant Classification Sherloc (09022015). Collection method: clinical testing. Allele origin: germline.
Comment: For these reasons, this variant has been classified as Pathogenic. A similar copy number variant has been observed in individual(s) with bilateral anophthalmia and microphthalmia (PMID: 24033328). A gross deletion of the genomic region encompassing the full coding sequence of the RAX gene has been identified. Loss-of-function variants in RAX are known to be pathogenic (PMID: 14662654, 18783408, 24033328). The boundaries of this event are unknown as they extend beyond the assayed region for this gene and therefore may encompass additional genes.

Labcorp Genetics (formerly Invitae), Labcorp
Classification: Pathogenic. Last evaluated: 2022-10-13. Review status: flagged submission. Criteria: Invitae Variant Classification Sherloc (09022015). Collection method: clinical testing. Allele origin: germline. Not counted in ClinVar's aggregate classification.
Comment: A gross deletion of the genomic region encompassing the full coding sequence of the CCBE1 gene has been identified. Loss-of-function variants in CCBE1 are known to be pathogenic (PMID: 19935664, 21778431, 26686525). The boundaries of this event are unknown as they extend beyond the assayed region for this gene and therefore may encompass additional genes. This variant has not been reported in the literature in individuals affected with CCBE1-related conditions. For these reasons, this variant has been classified as Pathogenic.
ClinVar note: Reason: This record appears to be redundant with a more recent record from the same submitter.
ClinVar note: Notes: SCV003796282 appears to be redundant with SCV003792871.

Literature cited by the submitters: PubMed 24033328; PubMed 14662654; PubMed 18783408; PubMed 19935664; PubMed 21778431; PubMed 26686525.

NC_000018.9:g.(?_55217944)_(58040587_?)del

Genes: MIR122 (microRNA 122; plus strand), SEC11C (SEC11 homolog C, signal peptidase complex subunit; plus strand), ZNF532 (zinc finger protein 532; plus strand), NARS1 (asparaginyl-tRNA synthetase 1; minus strand), MC4R (melanocortin 4 receptor; minus strand) and 11 more. Cytogenetic location: 18q21.31-21.32.
Variant type: Deletion.
Identifiers: ClinVar variation 2425868 (VCV002425868.7).